The following is an entry in ClinVar:

ClinVar aggregate classification (germline): Uncertain significance (1 of 4 stars; one submission).

Conditions:
Cerebral cavernous malformation 2. Also called: Familial Cerebral Cavernous Malformation 2. Identifiers: Orphanet 221061, MedGen C1864041, MONDO:0011304, OMIM 603284.

Allele frequency attached by ClinVar (database versions not stated): TOPMed below 0.00001.

Submission:

Labcorp Genetics (formerly Invitae), Labcorp
Classification: Uncertain significance for Cerebral cavernous malformation 2. Last evaluated: 2023-05-05. Review status: criteria provided, single submitter. Criteria: Invitae Variant Classification Sherloc (09022015). Collection method: clinical testing. Allele origin: germline.
Comment: This sequence change replaces glycine, which is neutral and non-polar, with arginine, which is basic and polar, at codon 418 of the CCM2 protein (p.Gly418Arg). This variant is not present in population databases (gnomAD no frequency). This variant has not been reported in the literature in individuals affected with CCM2-related conditions. Advanced modeling of protein sequence and biophysical properties (such as structural, functional, and spatial information, amino acid conservation, physicochemical variation, residue mobility, and thermodynamic stability) performed at Invitae indicates that this missense variant is not expected to disrupt CCM2 protein function. In summary, the available evidence is currently insufficient to determine the role of this variant in disease. Therefore, it has been classified as a Variant of Uncertain Significance.

NM_031443.4(CCM2):c.1252G>A (p.Gly418Arg)

Gene: CCM2 (CCM2 scaffold protein; plus strand). Cytogenetic location: 7p13.
Variant type: single nucleotide variant.
Coding change: c.1252G>A on transcript NM_031443.4 (MANE Select); coding-DNA position 1252, G replaced by A.
Protein change: p.Gly418Arg; replaces glycine 418 with arginine.
Molecular consequence: missense variant. On other transcripts: non-coding transcript variant (1).
Genome position (GRCh38, 1-based): chr7:45,075,974, G>A. VCF-style: chr7-45075974-G-A. GRCh37 (hg19) VCF-style: chr7-45115573-G-A.
Other names: c.1315G>A, p.Gly439Arg (NM_001029835.2); c.1078G>A, p.Gly360Arg (NM_001167934.2); c.1201G>A, p.Gly401Arg (NM_001363459.2); c.979G>A, p.Gly327Arg (NM_001167935.2); c.1375G>A, p.Gly459Arg (NM_001363458.2); short protein forms G360R, G418R, G459R, G327R, G401R, G439R.
Identifiers: ClinVar variation 2727028 (VCV002727028.3), dbSNP rs1219265941, ClinGen allele CA367431917.